The following is an entry in ClinVar:

NM_001365536.1(SCN9A):c.2163C>A (p.Phe721Leu)

Genes: SCN9A (sodium voltage-gated channel alpha subunit 9; minus strand), SCN1A-AS1 (SCN1A and SCN9A antisense RNA 1; plus strand). Cytogenetic location: 2q24.3.
Variant type: single nucleotide variant.
Coding change: c.2163C>A on transcript NM_001365536.1 (MANE Select); coding-DNA position 2163, C replaced by A.
Protein change: p.Phe721Leu; replaces phenylalanine 721 with leucine.
Molecular consequence: missense variant.
Genome position (GRCh38, 1-based): chr2:166,280,537, G>T on the plus strand (C>A on the coding strand, the complement: SCN9A is on the minus strand). VCF-style: chr2-166280537-G-T. GRCh37 (hg19) VCF-style: chr2-167137047-G-T.
Other names: c.2130C>A, p.Phe710Leu (NM_002977.4); short protein forms F710L, F721L.
Identifiers: ClinVar variation 640182 (VCV000640182.9), dbSNP rs1574857195, ClinGen allele CA349079826.
Genomic context (GRCh38, chr2:166,280,537, plus strand): 5'-TACAATAAAATAGATACACTTTTTGAATTTTATCCAATATGGAGAGCAATTCCAGATCAA[G>T]AATTTGTGTGCAAATCTGTACCACCAAGGTGGACATTTTTGTCTGGACTCTTCAAGTTCT-3'
Protein context (NP_001352465.1, residues 711-731): PPWWYRFAHK[Phe721Leu]LIWNCSPYWI

ClinVar aggregate classification (germline): Uncertain significance (1 of 4 stars; one submission).

Conditions:
Neuropathy, hereditary sensory and autonomic, type 2A (HSAN2A). Also called: ACROOSTEOLYSIS, GIACCAI TYPE; ACROOSTEOLYSIS, NEUROGENIC; WNK1-Related HSAN2 (HSAN2A); HSAN IIA; MORVAN DISEASE; NEUROPATHY, CONGENITAL SENSORY. Identifiers: Orphanet 970, MedGen C2752089, MONDO:0024309, OMIM 201300.
Generalized epilepsy with febrile seizures plus, type 7 (GEFSP7). Also called: GEFS+, TYPE 7. Identifiers: Orphanet 36387, MedGen C2751778, MONDO:0013470, OMIM 613863.

Allele frequency attached by ClinVar (database versions not stated): gnomAD exomes below 0.00001.
gnomAD v4.1: 4 of 1,592,260 alleles (0.00025%); highest among the groups gnomAD compares: Non-Finnish European, 0.00034%; no homozygotes.

Submission:

Labcorp Genetics (formerly Invitae), Labcorp
Classification: Uncertain significance for Neuropathy, hereditary sensory and autonomic, type 2A; Generalized epilepsy with febrile seizures plus, type 7. Last evaluated: 2018-08-09. Review status: criteria provided, single submitter. Criteria: Invitae Variant Classification Sherloc (09022015). Collection method: clinical testing. Allele origin: germline.
Comment: In summary, the available evidence is currently insufficient to determine the role of this variant in disease. Therefore, it has been classified as a Variant of Uncertain Significance. Algorithms developed to predict the effect of missense changes on protein structure and function are either unavailable or do not agree on the potential impact of this missense change (SIFT: "Deleterious"; PolyPhen-2: "Benign"; Align-GVGD: "Class C0"). This variant has not been reported in the literature in individuals with SCN9A-related disease. This variant is not present in population databases (ExAC no frequency). This sequence change replaces phenylalanine with leucine at codon 710 of the SCN9A protein (p.Phe710Leu). The phenylalanine residue is highly conserved and there is a small physicochemical difference between phenylalanine and leucine.